The following is an entry in ClinVar:

ClinVar aggregate classification (germline): Pathogenic (1 of 4 stars; one submission).

gnomAD v4.1: 1 of 1,544,808 alleles (0.000065%); highest among the groups gnomAD compares: Non-Finnish European, 0.000088%; no homozygotes.

Submission:

Labcorp Genetics (formerly Invitae), Labcorp
Classification: Pathogenic. Last evaluated: 2022-07-22. Review status: criteria provided, single submitter. Criteria: Invitae Variant Classification Sherloc (09022015). Collection method: clinical testing. Allele origin: germline.
Comment: This sequence change creates a premature translational stop signal (p.Glu2157*) in the EYS gene. It is expected to result in an absent or disrupted protein product. Loss-of-function variants in EYS are known to be pathogenic (PMID: 18836446, 20333770). This variant is not present in population databases (gnomAD no frequency). This variant has not been reported in the literature in individuals affected with EYS-related conditions. For these reasons, this variant has been classified as Pathogenic.

Literature cited by the submitters: PubMed 18836446; PubMed 20333770.

NM_001142800.2(EYS):c.6469G>T (p.Glu2157Ter)

Gene: EYS (EGF-like photoreceptor maintenance factor; minus strand). Cytogenetic location: 6q12.
Variant type: single nucleotide variant.
Coding change: c.6469G>T on transcript NM_001142800.2 (MANE Select); coding-DNA position 6469, G replaced by T.
Protein change: p.Glu2157Ter; replaces glutamic acid 2157 with a stop codon.
Molecular consequence: nonsense.
Genome position (GRCh38, 1-based): chr6:64,081,958, C>A on the plus strand (G>T on the coding strand, the complement: EYS is on the minus strand). VCF-style: chr6-64081958-C-A. GRCh37 (hg19) VCF-style: chr6-64791851-C-A.
Other names: c.6469G>T, p.Glu2157Ter (NM_001292009.2); short protein forms E2157*.
Identifiers: ClinVar variation 2018833 (VCV002018833.4), dbSNP rs2149869071, ClinGen allele CA364391015.